The following is an entry in ClinVar:

ClinVar aggregate classification (germline): Pathogenic (1 of 4 stars; one submission).

Submission:

CeGaT Center for Human Genetics Tuebingen
Classification: Pathogenic. Last evaluated: 2025-12-01. Review status: criteria provided, single submitter. Criteria: CeGaT Center For Human Genetics Tuebingen Variant Classification Criteria Version 2. Collection method: clinical testing. Allele origin: germline. Affected: yes. Observed: 1 variant allele.
Comment: SARDH: PVS1, PM2

NM_001134707.2(SARDH):c.1568_1575dup (p.Gly526fs)

Gene: SARDH (sarcosine dehydrogenase; minus strand). Cytogenetic location: 9q34.2.
Variant type: Duplication.
Coding change: c.1568_1575dup on transcript NM_001134707.2 (MANE Select); coding-DNA positions 1568 to 1575, 8 bases duplicated (ACTACTAC; older notation c.1568_1575dupACTACTAC).
Protein change: p.Gly526fs; shifts the reading frame from glycine 526.
Molecular consequence: frameshift variant.
Genome position (GRCh38, 1-based): chr9:133,703,009-133,703,016, GTAGTAGT duplicated on the plus strand (ACTACTAC on the coding strand, the reverse complement: SARDH is on the minus strand). VCF-style (leftmost placement, unchanged base first): chr9-133703008-C-CGTAGTAGT. GRCh37 (hg19) VCF-style: chr9-136568130-C-CGTAGTAGT.
Other names: c.1568_1575dup, p.Gly526fs (NM_007101.4); short protein forms G526fs.
Identifiers: ClinVar variation 4681641 (VCV004681641.5).
Genomic context (GRCh38, chr9:133,703,008, plus strand): 5'-ACTCGTCTGCCAGCAGCCTGCGGTAGGCGTAGTCCTCGTGCGCGCGGCTCCCGTAAGCCC[C>CGTAGTAGT]GTAGTAGTCGTACTCGAGGACCTGGGAAGAAAAGACGTGGTCCTCAGCCTGCCTCTTTGG-3'